The following is an entry in ClinVar:

ClinVar aggregate classification (germline): Conflicting classifications of pathogenicity. Review status: criteria provided, conflicting classifications (1 of 4 stars). 10 submissions from 9 submitters: Pathogenic (3); Likely pathogenic (2); Uncertain significance (5). Last evaluated 2025-09-24.

Conditions:
Polycystic kidney disease 8. Identifiers: MedGen C5935640, MONDO:0971178, OMIM 620903.
Familial cystic renal disease. Identifiers: Orphanet 93587, MedGen C5680285, MONDO:0019741.
NEK8-related disorder. Also called: NEK8-related condition.
Nephronophthisis 9 (NPHP9). Identifiers: Orphanet 655, MedGen C3151188, MONDO:0013444, OMIM 613824.

Submissions (10):

Genesolutions, Medical Genetics Institutes, Ho Chi Minh City, Vietnam
Classification: Uncertain significance for Polycystic kidney disease 8. Last evaluated: 2025-09-24. Review status: criteria provided, single submitter. Criteria: ACMG Guidelines, 2015. Collection method: clinical testing. Allele origin: germline. Affected: yes.

Genetics and Genomic Medicine Centre, NeuroGen Healthcare, NeuroGen Healthcare
Classification: Uncertain significance for Polycystic kidney disease 8. Last evaluated: 2025-08-27. Review status: criteria provided, single submitter. Criteria: ACMG Guidelines, 2015. Collection method: clinical testing. Allele origin: unknown. Affected: yes.

Victorian Clinical Genetics Services, Murdoch Childrens Research Institute
Classification: Pathogenic for Polycystic kidney disease 8. Last evaluated: 2025-02-21. Review status: criteria provided, single submitter. Criteria: ACMG Guidelines, 2015. Collection method: clinical testing. Allele origin: germline. Affected: yes.
Comment: This variant is classified as Pathogenic. Evidence in support of pathogenic classification: - Variant is absent from gnomAD (both v2 and v3). - This variant has strong previous evidence of pathogenicity in unrelated individuals. This variant has been reported several times as a VUS (ClinVar, LOVD) with limited clinical information. It was also observed in an individual with very early onset polycystic kidney disease, who also harboured missense variants in the PKD1 and COQB8 genes, which were not thought to be disease causing (PMID: 32574212). It has also been reported as de novo in at least two individuals with infantile nephronophthisis or polycystic kidney dysplasia (DECIPHER, PMID: 36215968). - Missense variant consistently predicted to be damaging by multiple in silico tools or highly conserved with a major amino acid change. Additional information: - Variant is predicted to result in a missense amino acid change from arginine to tryptophan. - This variant is heterozygous. - This gene is associated with both recessive and dominant disease. All variant types have been reported in recessive disease. The emerging dominant association has only been reported in individuals with missense variants (PMID: 26967905, PanelApp). - An alternative amino acid change at the same position has been observed in gnomAD (v2) (2 heterozygotes, 0 homozygotes). - No published segregation evidence has been identified for this variant. - No published functional evidence has been identified for this variant. - No comparable missense variants have previous evidence for pathogenicity. - Variant is located in the annotated protein kinase domain (DECIPHER). - Loss of function is a known mechanism of disease and is associated with renal-hepatic-pancreatic dysplasia 2 (MIM#615415) and nephronophthisis 9 (MIM#613824). Gain of function is also a suggested mechanism of disease for these disorders. Dominant negative is a suggested mechanism of polycystic kidney disease 8 (MIM#620903). - Inheritance information for this variant is not currently available in this individual.

Labcorp Genetics (formerly Invitae), Labcorp
Classification: Uncertain significance for Nephronophthisis 9. Last evaluated: 2024-05-18. Review status: criteria provided, single submitter. Criteria: Invitae Variant Classification Sherloc (09022015). Collection method: clinical testing. Allele origin: germline.
Comment: This sequence change replaces arginine, which is basic and polar, with tryptophan, which is neutral and slightly polar, at codon 45 of the NEK8 protein (p.Arg45Trp). This variant is not present in population databases (gnomAD no frequency). This variant has not been reported in the literature in individuals affected with NEK8-related conditions. ClinVar contains an entry for this variant (Variation ID: 593252). An algorithm developed to predict the effect of missense changes on protein structure and function (PolyPhen-2) suggests that this variant is likely to be disruptive. In summary, the available evidence is currently insufficient to determine the role of this variant in disease. Therefore, it has been classified as a Variant of Uncertain Significance.

Foundation for Research in Genetics and Endocrinology, FRIGE's Institute of Human Genetics
Classification: Likely pathogenic for Nephronophthisis 9. Last evaluated: 2024-03-02. Review status: criteria provided, single submitter. Criteria: ACMG Guidelines, 2015. Collection method: clinical testing. Allele origin: germline. Inheritance: Autosomal dominant inheritance. Affected: yes. Observed: 1 heterozygote.
Comment: A heterozygous missense variation in exon 2 of the NEK8 gene that results in the amino acid substitution of Tryptophan for Arginine at codon 45 was detected. The observed variant c.133C>T (p.Arg45Trp) has not been observed in the 1000 genomes and gnomAD databases. The in silico prediction of the variant is damaging by PolyPhen-2 (HumDiv), SIFT, LRT and MutationTaster2. This variant has beeen previously reported in numerous families with polycystic kidney disease and was found to be de novo in some of them (Claus et al, 2023; Mehawej et al, 2023). These papers have indicated an emerging autosomal dominant mechanism of the disease. In summary, the variant meets our criteria to be classified as likely pathogenic.

Victorian Clinical Genetics Services, Murdoch Childrens Research Institute
Classification: Pathogenic for Familial cystic renal disease. Last evaluated: 2023-12-21. Review status: criteria provided, single submitter. Criteria: ACMG Guidelines, 2015. Collection method: clinical testing. Allele origin: germline. Inheritance: Autosomal dominant inheritance. Affected: yes.
Comment: Based on the classification scheme VCGS_Germline_v1.3.4, this variant is classified as Pathogenic. Following criteria are met: 0102 - Loss of function is a known mechanism of disease and is associated with renal-hepatic-pancreatic dysplasia 2 (MIM#615415) and nephronophthisis 9 (MIM#613824). Gain of function is also a suggested mechanism of disease for these disorders. Dominant negative is a suggested mechanism of familial cystic renal disease (MONDO:0019741), NEK8-related. (I) 0108 - This gene is associated with both recessive and dominant disease. All variant types have been reported in recessive disease, but the emerging dominant association has only been reported in individuals with missense variants (PMID: 26967905, PanelApp). (I) 0200 - Variant is predicted to result in a missense amino acid change from arginine to tryptophan. (I) 0251 - This variant is heterozygous. (I) 0301 - Variant is absent from gnomAD (both v2 and v3). (SP) 0309 - An alternative amino acid change at the same position has been observed in gnomAD (v2) (2 heterozygotes, 0 homozygotes). (I) 0501 - Missense variant consistently predicted to be damaging by multiple in silico tools or highly conserved with a major amino acid change. (SP) 0600 - Variant is located in the annotated protein kinase domain (DECIPHER). (I) 0705 - No comparable missense variants have previous evidence for pathogenicity. (I) 0801 - This variant has strong previous evidence of pathogenicity in unrelated individuals. This variant has been reported several times as a VUS (ClinVar, LOVD) with limited clinical information. It was also observed in an individual with very early onset polycystic kidney disease, who also had additional missense variants not thought to be disease causing in the PKD1 and COQB8 genes (PMID: 32574212). It has also been reported as de novo in at least two individuals with infantile nephronophthisis or polycystic kidney dysplasia (DECIPHER, PMID: 36215968). (SP) 0905 - No published segregation evidence has been identified for this variant. (I) 1007 - No published functional evidence has been identified for this variant. (SP) Legend: (SP) - Supporting pathogenic, (I) - Information, (SB) - Supporting benign

CeGaT Center for Human Genetics Tuebingen
Classification: Pathogenic. Last evaluated: 2023-09-01. Review status: criteria provided, single submitter. Criteria: CeGaT Center For Human Genetics Tuebingen Variant Classification Criteria Version 2. Collection method: clinical testing. Allele origin: germline. Affected: yes. Observed: 1 variant allele.
Comment: NEK8: PS2:Very Strong, PM2, PP1, PS3:Supporting, PS4:Supporting

GeneDx
Classification: Uncertain significance. Last evaluated: 2023-03-08. Review status: criteria provided, single submitter. Criteria: GeneDx Variant Classification Process June 2021. Collection method: clinical testing. Allele origin: germline. Affected: yes.
Comment: Identified as an apparently de novo variant in a proband in published literature with multicystic kidney dysplasia in infancy (Mehawej et al., 2022) and as a de novo variant with confirmed parentage in several patients referred for genetic testing at GeneDx, but more evidence is needed to explore a potential link between heterozygous variants in the NEK8 gene and human disease; Not observed at significant frequency in large population cohorts (gnomAD); In silico analysis supports that this missense variant has a deleterious effect on protein structure/function; This variant is associated with the following publications: (PMID: Claus2021[Abstract], 36215968)

Blueprint Genetics
Classification: Likely pathogenic for NEK8-related disorders. Last evaluated: 2022-05-10. Review status: criteria provided, single submitter. Criteria: ACMG Guidelines, 2015. Collection method: clinical testing. Allele origin: germline. Affected: yes. Observed: 3 variant alleles.

Eurofins Ntd Llc (ga)
Classification: Uncertain significance. Last evaluated: 2017-07-14. Review status: criteria provided, single submitter. Criteria: EGL Classification Definitions 2015. Collection method: clinical testing. Allele origin: germline. Observed: 1 variant allele, 1 heterozygote.

Literature cited by the submitters: PubMed 32574212 (cited by Victorian Clinical Genetics Services, Murdoch Childrens Research Institute); PubMed 36215968 (cited by Victorian Clinical Genetics Services, Murdoch Childrens Research Institute); PubMed 26967905 (cited by Victorian Clinical Genetics Services, Murdoch Childrens Research Institute).

NM_178170.3(NEK8):c.133C>T (p.Arg45Trp)

Gene: NEK8 (NIMA related kinase 8; plus strand). Cytogenetic location: 17q11.2.
Variant type: single nucleotide variant.
Coding change: c.133C>T on transcript NM_178170.3 (MANE Select); coding-DNA position 133, C replaced by T.
Protein change: p.Arg45Trp; replaces arginine 45 with tryptophan.
Molecular consequence: missense variant.
Genome position (GRCh38, 1-based): chr17:28,734,068, C>T. VCF-style: chr17-28734068-C-T. GRCh37 (hg19) VCF-style: chr17-27061086-C-T.
Other names: p.Arg45Trp; short protein forms R45W.
Identifiers: ClinVar variation 593252 (VCV000593252.45), dbSNP rs1567759130, ClinGen allele CA398421909.